The following is an entry in ClinVar:

ClinVar aggregate classification (germline): Conflicting classifications of pathogenicity. Review status: criteria provided, conflicting classifications (1 of 4 stars). 3 submissions from 3 submitters: Uncertain significance (2); Likely benign (1). Last evaluated 2025-10-11.

Conditions:
Complex neurodevelopmental disorder. Identifiers: Orphanet 528084, MedGen C5568766, MONDO:0100038.
Landau-Kleffner syndrome (FESD). Also called: APHASIA, ACQUIRED, WITH EPILEPSY; EPILEPSY, FOCAL, WITH SPEECH DISORDER AND WITH OR WITHOUT MENTAL RETARDATION. Identifiers: Orphanet 1945, Orphanet 725, Orphanet 98818, MedGen C0282512, MONDO:0009509, OMIM 245570.

Allele frequency attached by ClinVar (database versions not stated): gnomAD 0.00001; gnomAD exomes 0.00001; TOPMed 0.00003.
gnomAD v4.1: 17 of 1,613,944 alleles (0.0011%); highest among the groups gnomAD compares: East Asian, 0.0067%; no homozygotes.

Submissions (3):

Labcorp Genetics (formerly Invitae), Labcorp
Classification: Likely benign for Landau-Kleffner syndrome. Last evaluated: 2025-10-11. Review status: criteria provided, single submitter. Criteria: Invitae Variant Classification Sherloc (09022015). Collection method: clinical testing. Allele origin: germline.

GeneDx
Classification: Uncertain significance. Last evaluated: 2021-03-24. Review status: criteria provided, single submitter. Criteria: GeneDx Variant Classification Process June 2021. Collection method: clinical testing. Allele origin: germline. Affected: yes.
Comment: In silico analysis supports that this missense variant does not alter protein structure/function; Has not been previously published as pathogenic or benign to our knowledge

Illumina Laboratory Services, Illumina
Classification: Uncertain significance for Complex neurodevelopmental disorder. Last evaluated: 2020-12-09. Review status: criteria provided, single submitter. Criteria: ICSLVariantClassificationCriteria RUGD 01 April 2020. Collection method: clinical testing. Allele origin: unknown.
Comment: The GRIN2A c.2563G>A (p.Asp855Asn) variant is a missense variant. A literature search was performed for the gene, cDNA change, and amino acid change. No publications were found based on this search. This variant is not found in the Genome Aggregation Database despite being in a region of good sequence coverage, so the variant is presumed to be rare. Based on the limited evidence, the p.Asp855Asn variant is classified as a variant of uncertain significance for GRIN2A-complex neurodevelopmental disorder.

NM_001134407.3(GRIN2A):c.2563G>A (p.Asp855Asn)

Gene: GRIN2A (glutamate ionotropic receptor NMDA type subunit 2A; minus strand). Cytogenetic location: 16p13.2.
Variant type: single nucleotide variant.
Coding change: c.2563G>A on transcript NM_001134407.3 (MANE Select); coding-DNA position 2563, G replaced by A.
Protein change: p.Asp855Asn; replaces aspartic acid 855 with asparagine.
Molecular consequence: missense variant.
Genome position (GRCh38, 1-based): chr16:9,768,883, C>T on the plus strand (G>A on the coding strand, the complement: GRIN2A is on the minus strand). VCF-style: chr16-9768883-C-T. GRCh37 (hg19) VCF-style: chr16-9862740-C-T.
Other names: p.D855N:GAC>AAC; c.2563G>A, p.Asp855Asn (NM_000833.5, NM_001134408.2); short protein forms D855N.
Identifiers: ClinVar variation 205690 (VCV000205690.15), dbSNP rs796052564, ClinGen allele CA315011.
Genomic context (GRCh38, chr16:9,768,883, plus strand): 5'-CAAGAAAGTAGCCACCCGGTGTACTGACCCTGCTGATGGAGAAGAGCAACCCAGGCCGGT[C>T]GGAGCACACGCCCGTGAAACAGAAGCGCAGCTTCCAGTAGAAGAGGTGCTCCCAGATGAA-3'
Protein context (NP_001127879.1, residues 845-865): LRFCFTGVCS[Asp855Asn]RPGLLFSISR